The following is an entry in ClinVar:

NM_001379286.1(ZNF423):c.3338G>A (p.Gly1113Asp)

Gene: ZNF423 (zinc finger protein 423; minus strand). Cytogenetic location: 16q12.1.
Variant type: single nucleotide variant.
Coding change: c.3338G>A on transcript NM_001379286.1 (MANE Select); coding-DNA position 3338, G replaced by A.
Protein change: p.Gly1113Asp; replaces glycine 1113 with aspartic acid.
Molecular consequence: missense variant.
Genome position (GRCh38, 1-based): chr16:49,635,838, C>T on the plus strand (G>A on the coding strand, the complement: ZNF423 is on the minus strand). VCF-style: chr16-49635838-C-T. GRCh37 (hg19) VCF-style: chr16-49669749-C-T.
Other names: c.3134G>A, p.Gly1045Asp (NM_001271620.2); c.2963G>A, p.Gly988Asp (NM_001330533.2); c.3314G>A, p.Gly1105Asp (NM_015069.5); short protein forms G1113D, G1045D, G988D, G1105D.
Identifiers: ClinVar variation 1490566 (VCV001490566.5), dbSNP rs749927500, ClinGen allele CA8046330.

ClinVar aggregate classification (germline): Uncertain significance (1 of 4 stars; one submission).

Conditions:
Nephronophthisis 14 (NPHP14). Identifiers: Orphanet 2318, MedGen C3539071, MONDO:0013916, OMIM 614844.

Allele frequency attached by ClinVar (database versions not stated): ExAC 0.00001; gnomAD 0.00001; TOPMed 0.00001; gnomAD exomes 0.00002 and 0.00003.
gnomAD v4.1: 49 of 1,603,176 alleles (0.0031%); highest among the groups gnomAD compares: South Asian, 0.0078%; no homozygotes.

Submission:

Labcorp Genetics (formerly Invitae), Labcorp
Classification: Uncertain significance for Nephronophthisis 14. Last evaluated: 2022-11-22. Review status: criteria provided, single submitter. Criteria: Invitae Variant Classification Sherloc (09022015). Collection method: clinical testing. Allele origin: germline.
Comment: This sequence change replaces glycine, which is neutral and non-polar, with aspartic acid, which is acidic and polar, at codon 1105 of the ZNF423 protein (p.Gly1105Asp). This variant is present in population databases (rs749927500, gnomAD 0.007%). This variant has not been reported in the literature in individuals affected with ZNF423-related conditions. ClinVar contains an entry for this variant (Variation ID: 1490566). Advanced modeling of protein sequence and biophysical properties (such as structural, functional, and spatial information, amino acid conservation, physicochemical variation, residue mobility, and thermodynamic stability) performed at Invitae indicates that this missense variant is not expected to disrupt ZNF423 protein function. In summary, the available evidence is currently insufficient to determine the role of this variant in disease. Therefore, it has been classified as a Variant of Uncertain Significance.